The following is an entry in ClinVar:

NM_001005242.3(PKP2):c.212C>G (p.Ser71Cys)

Gene: PKP2 (plakophilin 2; minus strand). Cytogenetic location: 12p11.21.
Variant type: single nucleotide variant.
Coding change: c.212C>G on transcript NM_001005242.3 (MANE Select); coding-DNA position 212, C replaced by G.
Protein change: p.Ser71Cys; replaces serine 71 with cysteine.
Molecular consequence: missense variant. On other transcripts: 5 prime UTR variant (4).
Genome position (GRCh38, 1-based): chr12:32,896,520, G>C on the plus strand (C>G on the coding strand, the complement: PKP2 is on the minus strand). VCF-style: chr12-32896520-G-C. GRCh37 (hg19) VCF-style: chr12-33049454-G-C.
Other names: p.Ser71Cys; c.212C>G, p.Ser71Cys (NM_001407155.1, NM_001407156.1, NM_001407157.1 and 2 more transcripts); c.-615C>G (NM_001407158.1, NM_001407162.1); c.-379C>G (NM_001407159.1, NM_001407160.1); short protein forms S71C.
Identifiers: ClinVar variation 2683189 (VCV002683189.4), dbSNP rs796597346, ClinGen allele CA235280532.

ClinVar aggregate classification (germline): Uncertain significance. Review status: criteria provided, multiple submitters, no conflicts (2 of 4 stars). 2 submissions from 2 submitters: Uncertain significance (2). Last evaluated 2024-01-07.

Conditions:
Arrhythmogenic right ventricular dysplasia 9 (ARVD9). Also called: ARRHYTHMOGENIC RIGHT VENTRICULAR DYSPLASIA, FAMILIAL, 9; Arrhythmogenic Right Ventricular Dysplasia/Cardiomyopathy 9. Identifiers: MedGen C1836906, MONDO:0012180, OMIM 609040.

Allele frequency attached by ClinVar (database versions not stated): TOPMed below 0.00001.

Submissions (2):

Labcorp Genetics (formerly Invitae), Labcorp
Classification: Uncertain significance for Arrhythmogenic right ventricular dysplasia 9. Last evaluated: 2024-01-07. Review status: criteria provided, single submitter. Criteria: Invitae Variant Classification Sherloc (09022015). Collection method: clinical testing. Allele origin: germline.
Comment: This sequence change replaces serine, which is neutral and polar, with cysteine, which is neutral and slightly polar, at codon 71 of the PKP2 protein (p.Ser71Cys). This variant is not present in population databases (gnomAD no frequency). This variant has not been reported in the literature in individuals affected with PKP2-related conditions. An algorithm developed to predict the effect of missense changes on protein structure and function (PolyPhen-2) suggests that this variant is likely to be disruptive. In summary, the available evidence is currently insufficient to determine the role of this variant in disease. Therefore, it has been classified as a Variant of Uncertain Significance.

Mayo Clinic Laboratories, Mayo Clinic
Classification: Uncertain significance. Last evaluated: 2023-01-04. Review status: criteria provided, single submitter. Criteria: ACMG Guidelines, 2015. Collection method: clinical testing. Allele origin: germline. Observed: 1 variant allele.
Comment: PM2_supporting